The following is an entry in ClinVar:

ClinVar aggregate classification (germline): Uncertain significance (0 of 4 stars; one submission).

Conditions:
SEMA3G-related disorder. Also called: SEMA3G-related condition.

gnomAD v4.1: 38 of 1,613,140 alleles (0.0024%); highest among the groups gnomAD compares: Non-Finnish European, 0.0031%; no homozygotes.

Submission:

PreventionGenetics, part of Exact Sciences
Classification: Uncertain significance for SEMA3G-related condition. Last evaluated: 2024-05-31. Review status: no assertion criteria provided. Collection method: clinical testing. Allele origin: germline.
Comment: The SEMA3G c.349G>A variant is predicted to result in the amino acid substitution p.Ala117Thr. To our knowledge, this variant has not been reported in the literature. This variant is reported in 0.0062% of alleles in individuals of European (Non-Finnish) descent in gnomAD. At this time, the clinical significance of this variant is uncertain due to the absence of conclusive functional and genetic evidence.

NM_020163.3(SEMA3G):c.349G>A (p.Ala117Thr)

Gene: SEMA3G (semaphorin 3G; minus strand). Cytogenetic location: 3p21.1.
Variant type: single nucleotide variant.
Coding change: c.349G>A on transcript NM_020163.3 (MANE Select); coding-DNA position 349, G replaced by A.
Protein change: p.Ala117Thr; replaces alanine 117 with threonine.
Molecular consequence: missense variant.
Genome position (GRCh38, 1-based): chr3:52,442,295, C>T on the plus strand (G>A on the coding strand, the complement: SEMA3G is on the minus strand). VCF-style: chr3-52442295-C-T. GRCh37 (hg19) VCF-style: chr3-52476311-C-T.
Other names: short protein forms A117T.
Identifiers: ClinVar variation 3355841 (VCV003355841.1).
Genomic context (GRCh38, chr3:52,442,295, plus strand): 5'-CAGTGCCACAGGCTAGCAGGTGGGTCCGGTTGTGAGGCTGTAGCACCCGCACGAAGTTGG[C>T]GCACTCTGTCTGCGGGGAGAAGGAGGGGGTGGTTGAGGGGTGAGAGGGGGTGCCCACCAT-3'
Protein context (NP_064548.1, residues 107-127): RKGRDPLTEC[Ala117Thr]NFVRVLQPHN